The following is an entry in ClinVar:

ClinVar aggregate classification (germline): Conflicting classifications of pathogenicity. Review status: criteria provided, conflicting classifications (1 of 4 stars). 8 submissions from 8 submitters: Uncertain significance (3); Likely benign (2). 3 of the submissions do not count toward it. Last evaluated 2026-01-22.

Conditions:
PCK1-related disorder. Also called: PCK1-related condition.
Phosphoenolpyruvate carboxykinase deficiency, cytosolic (PCKDC). Also called: PCK1 DEFICIENCY, CYTOSOLIC; PEPCK DEFICIENCY, CYTOSOLIC. Identifiers: Orphanet 2880, MedGen C5574905, MONDO:0009866, OMIM 261680.

Allele frequency attached by ClinVar (database versions not stated): 1000 Genomes Project 30x 0.00016; 1000 Genomes Project 0.00020; gnomAD 0.00159 and 0.00175; TOPMed 0.00168; gnomAD exomes 0.00190 and 0.00247; ESP Exome Variant Server 0.00200; ExAC 0.00249.
gnomAD v4.1: 3,802 of 1,613,478 alleles (0.24%); highest among the groups gnomAD compares: Non-Finnish European, 0.31%; 10 homozygotes.

Submissions (8):

Labcorp Genetics (formerly Invitae), Labcorp
Classification: Likely benign. Last evaluated: 2026-01-22. Review status: criteria provided, single submitter. Criteria: Invitae Variant Classification Sherloc (09022015). Collection method: clinical testing. Allele origin: germline.

GeneDx
Classification: Uncertain significance. Last evaluated: 2025-08-21. Review status: criteria provided, single submitter. Criteria: GeneDx Variant Classification Process June 2021. Collection method: clinical testing. Allele origin: germline. Affected: yes.
Comment: Identified in a GWAS study in association with metopic non-syndromic craniosynostosis; however, detailed clinical and segregation data were not provided (PMID: 35627201); In silico analysis supports that this missense variant has a deleterious effect on protein structure/function; This variant is associated with the following publications: (PMID: 35627201)

Blueprint Genetics
Classification: Uncertain significance. Last evaluated: 2024-09-12. Review status: criteria provided, single submitter. Criteria: ACMG Guidelines, 2015. Collection method: clinical testing. Allele origin: germline.

Revvity Omics, Revvity
Classification: Uncertain significance for Phosphoenolpyruvate carboxykinase deficiency, cytosolic. Last evaluated: 2022-05-31. Review status: criteria provided, single submitter. Criteria: ACMG Guidelines, 2015. Collection method: clinical testing. Allele origin: germline.

Illumina Laboratory Services, Illumina
Classification: Likely benign for Phosphoenolpyruvate carboxykinase deficiency, cytosolic. Last evaluated: 2018-01-13. Review status: criteria provided, single submitter. Criteria: ICSL Variant Classification Criteria 13 December 2019. Collection method: clinical testing. Allele origin: germline.
Comment: This variant was observed in the ICSL laboratory as part of a predisposition screen in an ostensibly healthy population. It had not been previously curated by ICSL or reported in the Human Gene Mutation Database (HGMD: prior to June 1st, 2018), and was therefore a candidate for classification through an automated scoring system. Utilizing variant allele frequency, disease prevalence and penetrance estimates, and inheritance mode, an automated score was calculated to assess if this variant is too frequent to cause the disease. Based on the score and internal cut-off values, a variant classified as likely benign is not then subjected to further curation. The score for this variant resulted in a classification of likely benign for this disease.

PreventionGenetics, part of Exact Sciences
Classification: Likely benign for PCK1-related condition. Last evaluated: 2022-07-19. Review status: no assertion criteria provided. Collection method: clinical testing. Allele origin: germline. Not counted in ClinVar's aggregate classification.
Comment: This variant is classified as likely benign based on ACMG/AMP sequence variant interpretation guidelines (Richards et al. 2015 PMID: 25741868, with internal and published modifications).

Clinical Genetics DNA and cytogenetics Diagnostics Lab, Erasmus MC, Erasmus Medical Center
Classification: Likely benign. Review status: no assertion criteria provided. Collection method: clinical testing. Allele origin: germline. Affected: yes. Study: VKGL Data-share Consensus. Not counted in ClinVar's aggregate classification.

Genome Diagnostics Laboratory, University Medical Center Utrecht
Classification: Likely benign. Review status: no assertion criteria provided. Collection method: clinical testing. Allele origin: germline. Affected: yes. Study: VKGL Data-share Consensus. Not counted in ClinVar's aggregate classification.

NM_002591.4(PCK1):c.413C>T (p.Thr138Ile)

Gene: PCK1 (phosphoenolpyruvate carboxykinase 1; plus strand). Cytogenetic location: 20q13.31.
Variant type: single nucleotide variant.
Coding change: c.413C>T on transcript NM_002591.4 (MANE Select); coding-DNA position 413, C replaced by T.
Protein change: p.Thr138Ile; replaces threonine 138 with isoleucine.
Molecular consequence: missense variant.
Genome position (GRCh38, 1-based): chr20:57,562,702, C>T. VCF-style: chr20-57562702-C-T. GRCh37 (hg19) VCF-style: chr20-56137758-C-T.
Other names: short protein forms T138I.
Identifiers: ClinVar variation 789357 (VCV000789357.23), dbSNP rs28359542, ClinGen allele CA9922004.